The following is an entry in ClinVar:

ClinVar aggregate classification (germline): Uncertain significance. Review status: criteria provided, multiple submitters, no conflicts (2 of 4 stars). 2 submissions from 2 submitters: Uncertain significance (2). Last evaluated 2024-05-01.

Allele frequency attached by ClinVar (database versions not stated): gnomAD exomes 0.00002 and 0.00003; ExAC 0.00003; gnomAD 0.00005 and 0.00006; TOPMed 0.00005.
gnomAD v4.1: 42 of 1,613,294 alleles (0.0026%); highest among the groups gnomAD compares: Non-Finnish European, 0.0033%; no homozygotes.

Submissions (2):

Labcorp Genetics (formerly Invitae), Labcorp
Classification: Uncertain significance. Last evaluated: 2024-05-01. Review status: criteria provided, single submitter. Criteria: Invitae Variant Classification Sherloc (09022015). Collection method: clinical testing. Allele origin: germline.
Comment: This sequence change replaces proline, which is neutral and non-polar, with histidine, which is basic and polar, at codon 304 of the KLF10 protein (p.Pro304His). This variant is present in population databases (rs759497115, gnomAD 0.006%). This variant has not been reported in the literature in individuals affected with KLF10-related conditions. ClinVar contains an entry for this variant (Variation ID: 1502126). An algorithm developed to predict the effect of missense changes on protein structure and function (PolyPhen-2) suggests that this variant is likely to be disruptive. In summary, the available evidence is currently insufficient to determine the role of this variant in disease. Therefore, it has been classified as a Variant of Uncertain Significance.

Ambry Genetics
Classification: Uncertain significance. Last evaluated: 2023-03-06. Review status: criteria provided, single submitter. Criteria: Ambry Variant Classification Scheme 2023. Collection method: clinical testing. Allele origin: germline.

NM_005655.4(KLF10):c.911C>A (p.Pro304His)

Gene: KLF10 (KLF transcription factor 10; minus strand). Cytogenetic location: 8q22.3.
Variant type: single nucleotide variant.
Coding change: c.911C>A on transcript NM_005655.4 (MANE Select); coding-DNA position 911, C replaced by A.
Protein change: p.Pro304His; replaces proline 304 with histidine.
Molecular consequence: missense variant.
Genome position (GRCh38, 1-based): chr8:102,651,421, G>T on the plus strand (C>A on the coding strand, the complement: KLF10 is on the minus strand). VCF-style: chr8-102651421-G-T. GRCh37 (hg19) VCF-style: chr8-103663649-G-T.
Other names: c.878C>A, p.Pro293His (NM_001032282.4); c.911C>A (NM_005655.2); short protein forms P304H, P293H.
Identifiers: ClinVar variation 1502126 (VCV001502126.8), dbSNP rs759497115, ClinGen allele CA4833515.